The following is an entry in ClinVar:

NM_001377.3(DYNC2H1):c.659T>C (p.Val220Ala)

Gene: DYNC2H1 (dynein cytoplasmic 2 heavy chain 1; plus strand). Cytogenetic location: 11q22.3.
Variant type: single nucleotide variant.
Coding change: c.659T>C on transcript NM_001377.3 (MANE Select); coding-DNA position 659, T replaced by C.
Protein change: p.Val220Ala; replaces valine 220 with alanine.
Molecular consequence: missense variant.
Genome position (GRCh38, 1-based): chr11:103,116,607, T>C. VCF-style: chr11-103116607-T-C. GRCh37 (hg19) VCF-style: chr11-102987336-T-C.
Other names: c.659T>C, p.Val220Ala (NM_001080463.2); short protein forms V220A.
Identifiers: ClinVar variation 4076747 (VCV004076747.1).
Genomic context (GRCh38, chr11:103,116,607, plus strand): 5'-AAAATTAATGCATTTTTTTCTAGGAGTTTTATAACTTGGACAGTCTATCCTTACTAGAAG[T>C]TGTTGACTTGGTGGAGACTACTCAGGATGTTGTAGATGATGTGTGGAGACAAACAGAACA-3'
Protein context (NP_001368.2, residues 210-230): YNLDSLSLLE[Val220Ala]VDLVETTQDV

ClinVar aggregate classification (germline): Uncertain significance (1 of 4 stars; one submission).

gnomAD v4.1: 2 of 1,608,170 alleles (0.00012%); highest among the groups gnomAD compares: South Asian, 0.0011%; no homozygotes.

Submission:

GeneDx
Classification: Uncertain significance. Last evaluated: 2025-02-20. Review status: criteria provided, single submitter. Criteria: GeneDx Variant Classification Process June 2021. Collection method: clinical testing. Allele origin: germline. Affected: yes.
Comment: Not observed at significant frequency in large population cohorts (gnomAD); In silico analysis indicates that this missense variant does not alter protein structure/function; Has not been previously published as pathogenic or benign to our knowledge